The following is an entry in ClinVar:

NM_003280.3(TNNC1):c.275A>T (p.Lys92Ile)

Gene: TNNC1 (troponin C1, slow skeletal and cardiac type; minus strand). Cytogenetic location: 3p21.1.
Variant type: single nucleotide variant.
Coding change: c.275A>T on transcript NM_003280.3 (MANE Select); coding-DNA position 275, A replaced by T.
Protein change: p.Lys92Ile; replaces lysine 92 with isoleucine.
Molecular consequence: missense variant.
Genome position (GRCh38, 1-based): chr3:52,451,786, T>A on the plus strand (A>T on the coding strand, the complement: TNNC1 is on the minus strand). VCF-style: chr3-52451786-T-A. GRCh37 (hg19) VCF-style: chr3-52485802-T-A.
Other names: short protein forms K92I.
Identifiers: ClinVar variation 2173023 (VCV002173023.5), dbSNP rs1334408291, ClinGen allele CA353167199.
Genomic context (GRCh38, chr3:52,451,786, plus strand): 5'-CAAGGGTCACGTGCTCACTTGTCAAACATGCGGAAGAGGTCAGACAGCTCCTCCTCAGAT[T>A]TCCCTTTGCTGTCGTCCTTCATGCACCGAACCATCATGACCAGGAACTCATCAAAGTCCA-3'
Protein context (NP_003271.1, residues 82-102): VRCMKDDSKG[Lys92Ile]SEEELSDLFR

ClinVar aggregate classification (germline): Uncertain significance. Review status: criteria provided, multiple submitters, no conflicts (2 of 4 stars). 2 submissions from 2 submitters: Uncertain significance (2). Last evaluated 2025-10-14.

Conditions:
Dilated cardiomyopathy 1Z (CMD1Z). Identifiers: Orphanet 154, MedGen C2678475, MONDO:0012745, OMIM 611879.
Hypertrophic cardiomyopathy 13. Also called: TNNC1-Related Familial Hypertrophic Cardiomyopathy. Identifiers: MedGen C2750472, MONDO:0013195, OMIM 613243.
Cardiovascular phenotype. Identifiers: MedGen CN230736.

gnomAD v4.1: 1 of 1,614,112 alleles (0.000062%); highest among the groups gnomAD compares: Non-Finnish European, 0.000085%; no homozygotes.

Submissions (2):

Labcorp Genetics (formerly Invitae), Labcorp
Classification: Uncertain significance for Hypertrophic cardiomyopathy 13; Dilated cardiomyopathy 1Z. Last evaluated: 2025-10-14. Review status: criteria provided, single submitter. Criteria: Invitae Variant Classification Sherloc (09022015). Collection method: clinical testing. Allele origin: germline.
Comment: This sequence change replaces lysine, which is basic and polar, with isoleucine, which is neutral and non-polar, at codon 92 of the TNNC1 protein (p.Lys92Ile). This variant is not present in population databases (gnomAD no frequency). This variant has not been reported in the literature in individuals affected with TNNC1-related conditions. ClinVar contains an entry for this variant (Variation ID: 2173023). An algorithm developed to predict the effect of missense changes on protein structure and function (PolyPhen-2) suggests that this variant is likely to be tolerated. In summary, the available evidence is currently insufficient to determine the role of this variant in disease. Therefore, it has been classified as a Variant of Uncertain Significance.

Ambry Genetics
Classification: Uncertain significance for Cardiovascular phenotype. Last evaluated: 2025-06-16. Review status: criteria provided, single submitter. Criteria: Ambry Variant Classification Scheme 2023. Collection method: clinical testing. Allele origin: germline.
Comment: The p.K92I variant (also known as c.275A>T), located in coding exon 4 of the TNNC1 gene, results from an A to T substitution at nucleotide position 275. The lysine at codon 92 is replaced by isoleucine, an amino acid with dissimilar properties. This amino acid position is conserved. In addition, the in silico prediction for this alteration is inconclusive. Based on the available evidence, the clinical significance of this variant remains unclear.